The following is an entry in ClinVar:

NM_001365999.1(SZT2):c.3905G>A (p.Arg1302Gln)

Gene: SZT2 (SZT2 subunit of KICSTOR complex; plus strand). Cytogenetic location: 1p34.2.
Variant type: single nucleotide variant.
Coding change: c.3905G>A on transcript NM_001365999.1 (MANE Select); coding-DNA position 3905, G replaced by A.
Protein change: p.Arg1302Gln; replaces arginine 1302 with glutamine.
Molecular consequence: missense variant.
Genome position (GRCh38, 1-based): chr1:43,428,104, G>A. VCF-style: chr1-43428104-G-A. GRCh37 (hg19) VCF-style: chr1-43893775-G-A.
Other names: c.3734G>A, p.Arg1245Gln (NM_015284.4); short protein forms R1245Q, R1302Q.
Identifiers: ClinVar variation 1305493 (VCV001305493.11), dbSNP rs761404509, ClinGen allele CA809133.

ClinVar aggregate classification (germline): Uncertain significance. Review status: criteria provided, multiple submitters, no conflicts (2 of 4 stars). 6 submissions from 6 submitters: Uncertain significance (6). Last evaluated 2025-03-28.

Conditions:
Inborn genetic diseases. Identifiers: MedGen C0950123, MeSH D030342.
Developmental and epileptic encephalopathy, 18 (DEE18). Also called: Early infantile epileptic encephalopathy 18. Identifiers: Orphanet 369894, MedGen C3809624, MONDO:0014201, OMIM 615476.
SZT2-related disorder. Also called: SZT2-related condition.

Allele frequency attached by ClinVar (database versions not stated): gnomAD 0.00001; gnomAD exomes 0.00002 and 0.00006; TOPMed 0.00004; ExAC 0.00006.

Submissions (6):

PreventionGenetics, part of Exact Sciences
Classification: Uncertain significance for SZT2-related condition. Last evaluated: 2025-03-28. Review status: criteria provided, single submitter. Criteria: ACMG Guidelines, 2015. Collection method: clinical testing. Allele origin: germline.
Comment: The SZT2 c.3734G>A variant is predicted to result in the amino acid substitution p.Arg1245Gln. To our knowledge, this variant has not been reported in the literature. This variant is reported in 0.060% of alleles in individuals of East Asian descent in gnomAD. Although we suspect that this variant may be benign, at this time, the clinical significance of this variant is uncertain due to the absence of conclusive functional and genetic evidence.

Blueprint Genetics
Classification: Uncertain significance. Last evaluated: 2024-11-21. Review status: criteria provided, single submitter. Criteria: ACMG Guidelines, 2015. Collection method: clinical testing. Allele origin: germline.

Ambry Genetics
Classification: Uncertain significance for Inborn genetic diseases. Last evaluated: 2023-12-16. Review status: criteria provided, single submitter. Criteria: Ambry Variant Classification Scheme 2023. Collection method: clinical testing. Allele origin: germline.

Genome-Nilou Lab
Classification: Uncertain significance for Developmental and epileptic encephalopathy, 18. Last evaluated: 2023-04-11. Review status: criteria provided, single submitter. Criteria: ACMG Guidelines, 2015. Collection method: clinical testing. Allele origin: germline. Affected: no.

Labcorp Genetics (formerly Invitae), Labcorp
Classification: Uncertain significance. Last evaluated: 2021-09-17. Review status: criteria provided, single submitter. Criteria: Invitae Variant Classification Sherloc (09022015). Collection method: clinical testing. Allele origin: germline.
Comment: This sequence change replaces arginine with glutamine at codon 1245 of the SZT2 protein (p.Arg1245Gln). The arginine residue is highly conserved and there is a small physicochemical difference between arginine and glutamine. This variant is present in population databases (rs761404509, ExAC 0.07%). This variant has not been reported in the literature in individuals affected with SZT2-related conditions. Algorithms developed to predict the effect of missense changes on protein structure and function are either unavailable or do not agree on the potential impact of this missense change (SIFT: "Deleterious"; PolyPhen-2: "Possibly Damaging"; Align-GVGD: "Class C0"). In summary, the available evidence is currently insufficient to determine the role of this variant in disease. Therefore, it has been classified as a Variant of Uncertain Significance.

GeneDx
Classification: Uncertain significance. Last evaluated: 2019-05-02. Review status: criteria provided, single submitter. Criteria: GeneDx Variant Classification Process June 2021. Collection method: clinical testing. Allele origin: germline. Affected: yes.
Comment: In silico analysis, which includes protein predictors and evolutionary conservation, supports that this variant does not alter protein structure/function; Has not been previously published as pathogenic or benign to our knowledge